The following is an entry in ClinVar:

ClinVar aggregate classification (germline): Pathogenic (1 of 4 stars; one submission).

Conditions:
Neurofibromatosis, type 2 (SWNV). Also called: BILATERAL ACOUSTIC NEUROFIBROMATOSIS; NF2-Related Schwannomatosis; SCHWANNOMATOSIS, VESTIBULAR. Identifiers: Orphanet 637, MedGen C0027832, MONDO:0007039, OMIM 101000. Disease mechanism: loss of function.

Submission:

Labcorp Genetics (formerly Invitae), Labcorp
Classification: Pathogenic for Neurofibromatosis, type 2. Last evaluated: 2025-11-30. Review status: criteria provided, single submitter. Criteria: Invitae Variant Classification Sherloc (09022015). Collection method: clinical testing. Allele origin: germline.
Comment: This sequence change creates a premature translational stop signal (p.Glu545*) in the NF2 gene. It is expected to result in an absent or disrupted protein product. Loss-of-function variants in NF2 are known to be pathogenic (PMID: 9643284, 16983642). This variant is not present in population databases (gnomAD no frequency). This variant has not been reported in the literature in individuals affected with NF2-related conditions. For these reasons, this variant has been classified as Pathogenic.

Literature cited by the submitters: PubMed 9643284; PubMed 16983642.

NM_000268.4(NF2):c.1633G>T (p.Glu545Ter)

Gene: NF2 (NF2, moesin-ezrin-radixin like (MERLIN) tumor suppressor; plus strand). Cytogenetic location: 22q12.2.
Variant type: single nucleotide variant.
Coding change: c.1633G>T on transcript NM_000268.4 (MANE Select); coding-DNA position 1633, G replaced by T.
Protein change: p.Glu545Ter; replaces glutamic acid 545 with a stop codon.
Molecular consequence: nonsense. On other transcripts: intron variant (3).
Genome position (GRCh38, 1-based): chr22:29,681,497, G>T. VCF-style: chr22-29681497-G-T. GRCh37 (hg19) VCF-style: chr22-30077486-G-T.
Other names: c.1519G>T, p.Glu507Ter (NM_001407053.1, NM_001407056.1); c.1510G>T, p.Glu504Ter (NM_001407054.1, NM_001407058.1, NM_181829.3); c.1507G>T, p.Glu503Ter (NM_001407055.1, NM_181828.3); c.1498G>T, p.Glu500Ter (NM_001407057.1, NM_001407059.1); c.1375G>T, p.Glu459Ter (NM_001407062.1); c.1384G>T, p.Glu462Ter (NM_001407063.1, NM_181830.3, NM_181831.3); c.1099G>T, p.Glu367Ter (NM_001407065.1); c.1633G>T, p.Glu545Ter (NM_001407066.1, NM_016418.5, NM_181825.3 and 1 more transcripts); and 4 more; short protein forms E462*, E367*, E459*, E504*, E545*, E500*, E503*, E468*.
Identifiers: ClinVar variation 4732224 (VCV004732224.1).